The following is an entry in ClinVar:

ClinVar aggregate classification (germline): Uncertain significance (1 of 4 stars; one submission).

Submission:

Labcorp Genetics (formerly Invitae), Labcorp
Classification: Uncertain significance. Last evaluated: 2025-12-23. Review status: criteria provided, single submitter. Criteria: Invitae Variant Classification Sherloc (09022015). Collection method: clinical testing. Allele origin: germline.
Comment: This sequence change replaces serine, which is neutral and polar, with arginine, which is basic and polar, at codon 1331 of the SHANK1 protein (p.Ser1331Arg). This variant is not present in population databases (gnomAD no frequency). This variant has not been reported in the literature in individuals affected with SHANK1-related conditions. Experimental studies and prediction algorithms are not available or were not evaluated, and the functional significance of this variant is currently unknown. In summary, the available evidence is currently insufficient to determine the role of this variant in disease. Therefore, it has been classified as a Variant of Uncertain Significance.

NM_016148.5(SHANK1):c.3991A>C (p.Ser1331Arg)

Gene: SHANK1 (SH3 and multiple ankyrin repeat domains 1; minus strand). Cytogenetic location: 19q13.33.
Variant type: single nucleotide variant.
Coding change: c.3991A>C on transcript NM_016148.5 (MANE Select); coding-DNA position 3991, A replaced by C.
Protein change: p.Ser1331Arg; replaces serine 1331 with arginine.
Molecular consequence: missense variant.
Genome position (GRCh38, 1-based): chr19:50,667,969, T>G on the plus strand (A>C on the coding strand, the complement: SHANK1 is on the minus strand). VCF-style: chr19-50667969-T-G. GRCh37 (hg19) VCF-style: chr19-51171226-T-G.
Other names: short protein forms S1331R.
Identifiers: ClinVar variation 4732667 (VCV004732667.1).